The following is an entry in ClinVar:

NM_000064.4(C3):c.3140A>C (p.Glu1047Ala)

Gene: C3 (complement C3; minus strand). Cytogenetic location: 19p13.3.
Variant type: single nucleotide variant.
Coding change: c.3140A>C on transcript NM_000064.4 (MANE Select); coding-DNA position 3140, A replaced by C.
Protein change: p.Glu1047Ala; replaces glutamic acid 1047 with alanine.
Molecular consequence: missense variant.
Genome position (GRCh38, 1-based): chr19:6,694,445, T>G on the plus strand (A>C on the coding strand, the complement: C3 is on the minus strand). VCF-style: chr19-6694445-T-G. GRCh37 (hg19) VCF-style: chr19-6694456-T-G.
Other names: short protein forms E1047A.
Identifiers: ClinVar variation 4280189 (VCV004280189.1).
Genomic context (GRCh38, chr19:6,694,445, plus strand): 5'-CTCGGAAAGGGGTCCCTGGGGTCTCCAAGAGGGGCAGGGAGCCCACCCTTCTTGATGAGC[T>G]CCAAGGCCCCCTGCCGCTTCTCTAGGCCGAACTTCTCCCACTGCTCCGTTTCATCCAGGT-3'
Protein context (NP_000055.2, residues 1037-1057): FGLEKRQGAL[Glu1047Ala]LIKKGYTQQL

ClinVar aggregate classification (germline): Uncertain significance (1 of 4 stars; one submission).

Conditions:
Complement component 3 deficiency. Identifiers: Orphanet 280133, MedGen C3151071, MONDO:0013417, OMIM 613779.
C3 glomerulonephritis. Also called: Nephropathy due to CFHR5 Deficiency; C3 GLOMERULOPATHY 3. Identifiers: Orphanet 329931, MedGen C4055342, MONDO:0013892, OMIM 614809.
Atypical hemolytic-uremic syndrome. Identifiers: Orphanet 2134, MedGen C2931788, MONDO:0016244.

Submission:

Genomenon, Inc
Classification: Uncertain significance for Complement component 3 deficiency; C3 glomerulonephritis; Atypical hemolytic-uremic syndrome. Last evaluated: 2025-09-30. Review status: criteria provided, single submitter. Criteria: Genomenon Sequence Variant Interpretation Standards. Collection method: curation. Allele origin: germline. Affected: no.
Comment: C3 p.Glu1047Ala (c.3140A>C) is a missense variant that changes the amino acid at residue 1047 from Glutamic acid to Alanine. This variant has been reported in the published literature (PMID:21683447). It is absent or not present at a significant frequency in gnomAD. In silico models agree that this variant is not damaging. In conclusion, we classify C3 p.Glu1047Ala (c.3140A>C) as a variant of unknown significance.

Literature cited by the submitters: PubMed 21683447.